The following is an entry in ClinVar:

ClinVar aggregate classification (germline): Uncertain significance (1 of 4 stars; one submission).

Submission:

Labcorp Genetics (formerly Invitae), Labcorp
Classification: Uncertain significance. Last evaluated: 2024-09-26. Review status: criteria provided, single submitter. Criteria: Invitae Variant Classification Sherloc (09022015). Collection method: clinical testing. Allele origin: germline.
Comment: This sequence change falls in intron 41 of the NALCN gene. It does not directly change the encoded amino acid sequence of the NALCN protein. This variant is not present in population databases (gnomAD no frequency). This variant has not been reported in the literature in individuals affected with NALCN-related conditions. Experimental studies and prediction algorithms are not available or were not evaluated, and the effect of this variant on mRNA splicing is currently unknown. In summary, the available evidence is currently insufficient to determine the role of this variant in disease. Therefore, it has been classified as a Variant of Uncertain Significance.

NM_052867.4(NALCN):c.4659_4755+108dup

Gene: NALCN (sodium leak channel, non-selective; minus strand). Cytogenetic location: 13q32.3.
Variant type: Duplication.
Coding change: c.4659_4755+108dup on transcript NM_052867.4 (MANE Select); coding-DNA position 4659 through 108 bases into the intron after coding-DNA position 4755, 205 bases duplicated.
Molecular consequence: splice donor variant.
Genome position (GRCh38, 1-based): chr13:101,061,860-101,062,064, 205 bases duplicated. GRCh37 (hg19): chr13:101,714,212-101,714,416.
Other names: c.4572_4668+108dup (NM_001350751.2, NM_001350750.2); c.4659_4755+108dup (NM_001350749.2); c.4746_4842+108dup (NM_001350748.2).
Identifiers: ClinVar variation 3721610 (VCV003721610.2).